The following is an entry in ClinVar:

NM_173550.4(CCDC171):c.194G>A (p.Ser65Asn)

Gene: CCDC171 (coiled-coil domain containing 171; plus strand). Cytogenetic location: 9p22.3.
Variant type: single nucleotide variant.
Coding change: c.194G>A on transcript NM_173550.4 (MANE Select); coding-DNA position 194, G replaced by A.
Protein change: p.Ser65Asn; replaces serine 65 with asparagine.
Molecular consequence: missense variant. On other transcripts: 5 prime UTR variant (1).
Genome position (GRCh38, 1-based): chr9:15,578,865, G>A. VCF-style: chr9-15578865-G-A. GRCh37 (hg19) VCF-style: chr9-15578863-G-A.
Other names: c.-248G>A (NM_001348002.2); c.194G>A, p.Ser65Asn (NM_001355547.1); short protein forms S65N.
Identifiers: ClinVar variation 2659091 (VCV002659091.24), dbSNP rs79217038, ClinGen allele CA4994009.

ClinVar aggregate classification (germline): Likely benign (1 of 4 stars; one submission).

Allele frequency attached by ClinVar (database versions not stated): 1000 Genomes Project 30x 0.00265; 1000 Genomes Project 0.00300; TOPMed 0.00543; gnomAD 0.00546; ExAC 0.00573; ESP Exome Variant Server 0.00607; gnomAD exomes 0.00850.
gnomAD v4.1: 13,175 of 1,613,186 alleles (0.82%); highest among the groups gnomAD compares: Non-Finnish European, 1%; 83 homozygotes.

Submission:

CeGaT Center for Human Genetics Tuebingen
Classification: Likely benign. Last evaluated: 2023-03-01. Review status: criteria provided, single submitter. Criteria: CeGaT Center For Human Genetics Tuebingen Variant Classification Criteria Version 2. Collection method: clinical testing. Allele origin: germline. Affected: yes. Observed: 1 variant allele.
Comment: CCDC171: BP4, BS2